The following is an entry in ClinVar:

NM_006514.4(SCN10A):c.883C>T (p.Pro295Ser)

Gene: SCN10A (sodium voltage-gated channel alpha subunit 10; minus strand). Cytogenetic location: 3p22.2.
Variant type: single nucleotide variant.
Coding change: c.883C>T on transcript NM_006514.4 (MANE Select); coding-DNA position 883, C replaced by T.
Protein change: p.Pro295Ser; replaces proline 295 with serine.
Molecular consequence: missense variant.
Genome position (GRCh38, 1-based): chr3:38,761,192, G>A on the plus strand (C>T on the coding strand, the complement: SCN10A is on the minus strand). VCF-style: chr3-38761192-G-A. GRCh37 (hg19) VCF-style: chr3-38802683-G-A.
Other names: c.883C>T, p.Pro295Ser (NM_001293306.2, NM_001293307.2); short protein forms P295S.
Identifiers: ClinVar variation 463273 (VCV000463273.8), dbSNP rs371909817, ClinGen allele CA2321057.

ClinVar aggregate classification (germline): Conflicting classifications of pathogenicity. Review status: criteria provided, conflicting classifications (1 of 4 stars). 4 submissions from 4 submitters: Uncertain significance (3); Likely benign (1). Last evaluated 2024-10-15.

Conditions:
Brugada syndrome. Also called: Sudden unexpected nocturnal death syndrome; Sudden unexplained nocturnal death syndrome; Sudden Unexplained Death Syndrome; Sudden Unexplained Nocturnal Death Syndrome (SUNDS). Identifiers: Orphanet 130, MedGen C1142166, MONDO:0015263.
Cardiovascular phenotype. Identifiers: MedGen CN230736.
Episodic pain syndrome, familial, 2 (FEPS2). Identifiers: Orphanet 306577, MedGen C3809893, MONDO:0014246, OMIM 615551.

Allele frequency attached by ClinVar (database versions not stated): ExAC 0.00001; gnomAD 0.00001; gnomAD exomes 0.00001 and 0.00003; ESP Exome Variant Server 0.00008.

Submissions (4):

Ambry Genetics
Classification: Likely benign for Cardiovascular phenotype. Last evaluated: 2024-10-15. Review status: criteria provided, single submitter. Criteria: Ambry Variant Classification Scheme 2023. Collection method: clinical testing. Allele origin: germline.

GeneDx
Classification: Uncertain significance. Last evaluated: 2023-04-10. Review status: criteria provided, single submitter. Criteria: GeneDx Variant Classification Process June 2021. Collection method: clinical testing. Allele origin: germline. Affected: yes.
Comment: Has not been previously published as pathogenic or benign to our knowledge; Not observed at significant frequency in large population cohorts (gnomAD); In silico analysis supports that this missense variant does not alter protein structure/function

Fulgent Genetics
Classification: Uncertain significance for Episodic pain syndrome, familial, 2. Last evaluated: 2022-04-01. Review status: criteria provided, single submitter. Criteria: ACMG Guidelines, 2015. Collection method: clinical testing. Allele origin: unknown.

Labcorp Genetics (formerly Invitae), Labcorp
Classification: Uncertain significance for Brugada syndrome. Last evaluated: 2017-02-16. Review status: criteria provided, single submitter. Criteria: Invitae Variant Classification Sherloc (09022015). Collection method: clinical testing. Allele origin: germline.
Comment: This sequence change replaces proline with serine at codon 295 of the SCN10A protein (p.Pro295Ser). The proline residue is weakly conserved and there is a moderate physicochemical difference between proline and serine. This variant also falls at the last nucleotide of exon 6 of the SCN10A coding sequence, which is part of the consensus splice site for this exon. This variant is present in population databases (rs371909817, ExAC 0.002%) but has not been reported in the literature in individuals with a SCN10A-related disease. Algorithms developed to predict the effect of missense changes on protein structure and function (SIFT, PolyPhen-2, Align-GVGD) all suggest that this variant is likely to be tolerated, but these predictions have not been confirmed by published functional studies. Algorithms developed to predict the effect of sequence changes on RNA splicing suggest that this variant may alter RNA splicing, but this prediction has not been confirmed by published transcriptional studies. In summary, this variant is a rare missense change with uncertain impact on protein function. There is no indication that it causes disease, but the available evidence is currently insufficient to prove that conclusively. Therefore, it has been classified as a Variant of Uncertain Significance.